The following is an entry in ClinVar:

ClinVar aggregate classification (germline): Uncertain significance (1 of 4 stars; one submission).

gnomAD v4.1: 2 of 1,557,794 alleles (0.00013%); highest among the groups gnomAD compares: Non-Finnish European, 0.00017%; no homozygotes.

Submission:

Labcorp Genetics (formerly Invitae), Labcorp
Classification: Uncertain significance. Last evaluated: 2026-01-28. Review status: criteria provided, single submitter. Criteria: Invitae Variant Classification Sherloc (09022015). Collection method: clinical testing. Allele origin: germline.
Comment: This sequence change replaces glycine, which is neutral and non-polar, with arginine, which is basic and polar, at codon 791 of the COL4A2 protein (p.Gly791Arg). This variant is not present in population databases (gnomAD no frequency). This variant has not been reported in the literature in individuals affected with COL4A2-related conditions. Invitae Evidence Modeling of protein sequence and biophysical properties (such as structural, functional, and spatial information, amino acid conservation, physicochemical variation, residue mobility, and thermodynamic stability) indicates that this missense variant is expected to disrupt COL4A2 protein function with a positive predictive value of 80%. In summary, the available evidence is currently insufficient to determine the role of this variant in disease. Therefore, it has been classified as a Variant of Uncertain Significance.

NM_001846.4(COL4A2):c.2371G>A (p.Gly791Arg)

Gene: COL4A2 (collagen type IV alpha 2 chain; plus strand). Cytogenetic location: 13q34.
Variant type: single nucleotide variant.
Coding change: c.2371G>A on transcript NM_001846.4 (MANE Select); coding-DNA position 2371, G replaced by A.
Protein change: p.Gly791Arg; replaces glycine 791 with arginine.
Molecular consequence: missense variant.
Genome position (GRCh38, 1-based): chr13:110,473,096, G>A. VCF-style: chr13-110473096-G-A. GRCh37 (hg19) VCF-style: chr13-111125443-G-A.
Other names: short protein forms G791R.
Identifiers: ClinVar variation 4803698 (VCV004803698.1).